The following is an entry in ClinVar:

NM_025099.6(CTC1):c.1954G>C (p.Val652Leu)

Gene: CTC1 (CST telomere replication complex component 1; minus strand). Cytogenetic location: 17p13.1.
Variant type: single nucleotide variant.
Coding change: c.1954G>C on transcript NM_025099.6 (MANE Select); coding-DNA position 1954, G replaced by C.
Protein change: p.Val652Leu; replaces valine 652 with leucine.
Molecular consequence: missense variant. On other transcripts: non-coding transcript variant (1).
Genome position (GRCh38, 1-based): chr17:8,232,467, C>G on the plus strand (G>C on the coding strand, the complement: CTC1 is on the minus strand). VCF-style: chr17-8232467-C-G. GRCh37 (hg19) VCF-style: chr17-8135785-C-G.
Other names: c.1954G>C, p.Val652Leu (NM_001411067.1); c.1954G>C (NM_025099.5); short protein forms V652L.
Identifiers: ClinVar variation 2898606 (VCV002898606.4), dbSNP rs769147608, ClinGen allele CA8372215.

ClinVar aggregate classification (germline): Uncertain significance. Review status: criteria provided, multiple submitters, no conflicts (2 of 4 stars). 3 submissions from 3 submitters: Uncertain significance (3). Last evaluated 2024-11-09.

Conditions:
Inborn genetic diseases. Identifiers: MedGen C0950123, MeSH D030342.
Dyskeratosis congenita. Identifiers: Orphanet 1775, MedGen C0265965, MONDO:0015780.

Allele frequency attached by ClinVar (database versions not stated): ExAC 0.00001; TOPMed 0.00001; gnomAD 0.00002.
gnomAD v4.1: 14 of 1,613,630 alleles (0.00087%); highest among the groups gnomAD compares: South Asian, 0.011%; no homozygotes.

Submissions (3):

Ambry Genetics
Classification: Uncertain significance for Inborn genetic diseases. Last evaluated: 2024-11-09. Review status: criteria provided, single submitter. Criteria: Ambry Variant Classification Scheme 2023. Collection method: clinical testing. Allele origin: germline.

Labcorp Genetics (formerly Invitae), Labcorp
Classification: Uncertain significance for Dyskeratosis congenita. Last evaluated: 2023-12-03. Review status: criteria provided, single submitter. Criteria: Invitae Variant Classification Sherloc (09022015). Collection method: clinical testing. Allele origin: germline.
Comment: This sequence change replaces valine, which is neutral and non-polar, with leucine, which is neutral and non-polar, at codon 652 of the CTC1 protein (p.Val652Leu). This variant is present in population databases (rs769147608, gnomAD 0.01%). This variant has not been reported in the literature in individuals affected with CTC1-related conditions. Advanced modeling of protein sequence and biophysical properties (such as structural, functional, and spatial information, amino acid conservation, physicochemical variation, residue mobility, and thermodynamic stability) performed at Invitae indicates that this missense variant is not expected to disrupt CTC1 protein function with a negative predictive value of 80%. In summary, the available evidence is currently insufficient to determine the role of this variant in disease. Therefore, it has been classified as a Variant of Uncertain Significance.

Blueprint Genetics
Classification: Uncertain significance. Last evaluated: 2022-10-26. Review status: criteria provided, single submitter. Criteria: ACMG Guidelines, 2015. Collection method: clinical testing. Allele origin: germline.